The following is an entry in ClinVar:

NM_001177316.2(SLC34A3):c.1043C>T (p.Ser348Phe)

Gene: SLC34A3 (solute carrier family 34 member 3; plus strand). Cytogenetic location: 9q34.3.
Variant type: single nucleotide variant.
Coding change: c.1043C>T on transcript NM_001177316.2 (MANE Select); coding-DNA position 1043, C replaced by T.
Protein change: p.Ser348Phe; replaces serine 348 with phenylalanine.
Molecular consequence: missense variant.
Genome position (GRCh38, 1-based): chr9:137,234,226, C>T. VCF-style: chr9-137234226-C-T. GRCh37 (hg19) VCF-style: chr9-140128678-C-T.
Other names: c.1043C>T, p.Ser348Phe (NM_001177317.2, NM_080877.3); short protein forms S348F.
Identifiers: ClinVar variation 2101677 (VCV002101677.4), dbSNP rs1485731866, ClinGen allele CA375736366.

ClinVar aggregate classification (germline): Uncertain significance (1 of 4 stars; one submission).

Submission:

Labcorp Genetics (formerly Invitae), Labcorp
Classification: Uncertain significance. Last evaluated: 2024-10-22. Review status: criteria provided, single submitter. Criteria: Invitae Variant Classification Sherloc (09022015). Collection method: clinical testing. Allele origin: germline.
Comment: This sequence change replaces serine, which is neutral and polar, with phenylalanine, which is neutral and non-polar, at codon 348 of the SLC34A3 protein (p.Ser348Phe). This variant is present in population databases (no rsID available, gnomAD 0.006%). This variant has not been reported in the literature in individuals affected with SLC34A3-related conditions. ClinVar contains an entry for this variant (Variation ID: 2101677). Invitae Evidence Modeling of protein sequence and biophysical properties (such as structural, functional, and spatial information, amino acid conservation, physicochemical variation, residue mobility, and thermodynamic stability) has been performed for this missense variant. However, the output from this modeling did not meet the statistical confidence thresholds required to predict the impact of this variant on SLC34A3 protein function. In summary, the available evidence is currently insufficient to determine the role of this variant in disease. Therefore, it has been classified as a Variant of Uncertain Significance.